The following is an entry in ClinVar:

ClinVar aggregate classification (germline): Uncertain significance. Review status: criteria provided, multiple submitters, no conflicts (2 of 4 stars). 3 submissions from 3 submitters: Uncertain significance (3). Last evaluated 2025-01-23.

Conditions:
Congenital contractural arachnodactyly (CCA). Also called: BEALS SYNDROME; Beals-Hecht syndrome; Arthrogryposis, distal, type 9. Identifiers: Orphanet 115, MedGen C0220668, MONDO:0007363, OMIM 121050.
Familial thoracic aortic aneurysm and aortic dissection (TAAD). Also called: Thoracic aortic aneurysms and dissections. Identifiers: Orphanet 91387, MedGen C4707243, MONDO:0019625.

Allele frequency attached by ClinVar (database versions not stated): gnomAD exomes below 0.00001.
gnomAD v4.1: 2 of 1,614,076 alleles (0.00012%); highest among the groups gnomAD compares: Non-Finnish European, 0.00017%; no homozygotes.

Submissions (3):

GeneDx
Classification: Uncertain significance. Last evaluated: 2025-01-23. Review status: criteria provided, single submitter. Criteria: GeneDx Variant Classification Process June 2021. Collection method: clinical testing. Allele origin: germline. Affected: yes.
Comment: Not observed at significant frequency in large population cohorts (gnomAD); In silico analysis indicates that this missense variant does not alter protein structure/function; Although located in a calcium-binding EGF-like domain of the FBN2 gene, it does not substitute or introduce a cysteine residue (PMID: 19006240, 18767143); Has not been previously published as pathogenic or benign to our knowledge; This variant is associated with the following publications: (PMID: 19006240, 18767143)

Labcorp Genetics (formerly Invitae), Labcorp
Classification: Uncertain significance for Congenital contractural arachnodactyly. Last evaluated: 2024-10-16. Review status: criteria provided, single submitter. Criteria: Invitae Variant Classification Sherloc (09022015). Collection method: clinical testing. Allele origin: germline.
Comment: This sequence change replaces glutamic acid, which is acidic and polar, with lysine, which is basic and polar, at codon 2300 of the FBN2 protein (p.Glu2300Lys). This variant is present in population databases (no rsID available, gnomAD 0.0009%). This variant has not been reported in the literature in individuals affected with FBN2-related conditions. ClinVar contains an entry for this variant (Variation ID: 519864). Invitae Evidence Modeling of protein sequence and biophysical properties (such as structural, functional, and spatial information, amino acid conservation, physicochemical variation, residue mobility, and thermodynamic stability) indicates that this missense variant is not expected to disrupt FBN2 protein function with a negative predictive value of 80%. In summary, the available evidence is currently insufficient to determine the role of this variant in disease. Therefore, it has been classified as a Variant of Uncertain Significance.

Ambry Genetics
Classification: Uncertain significance for Familial thoracic aortic aneurysm and aortic dissection. Last evaluated: 2017-09-26. Review status: criteria provided, single submitter. Criteria: Ambry Variant Classification Scheme 2023. Collection method: clinical testing. Allele origin: germline.
Comment: The p.E2300K variant (also known as c.6898G>A), located in coding exon 55 of the FBN2 gene, results from a G to A substitution at nucleotide position 6898. The glutamic acid at codon 2300 is replaced by lysine, an amino acid with similar properties. This amino acid position is highly conserved in available vertebrate species. In addition, this alteration is predicted to be deleterious by in silico analysis. Since supporting evidence is limited at this time, the clinical significance of this alteration remains unclear.

NM_001999.4(FBN2):c.6898G>A (p.Glu2300Lys)

Gene: FBN2 (fibrillin 2; minus strand). Cytogenetic location: 5q23.3.
Variant type: single nucleotide variant.
Coding change: c.6898G>A on transcript NM_001999.4 (MANE Select); coding-DNA position 6898, G replaced by A.
Protein change: p.Glu2300Lys; replaces glutamic acid 2300 with lysine.
Molecular consequence: missense variant.
Genome position (GRCh38, 1-based): chr5:128,286,832, C>T on the plus strand (G>A on the coding strand, the complement: FBN2 is on the minus strand). VCF-style: chr5-128286832-C-T. GRCh37 (hg19) VCF-style: chr5-127622524-C-T.
Other names: short protein forms E2300K.
Identifiers: ClinVar variation 519864 (VCV000519864.15), dbSNP rs1419124277, ClinGen allele CA360759219.